The following is an entry in ClinVar:

ClinVar aggregate classification (germline): Pathogenic (1 of 4 stars; one submission).

gnomAD v4.1: 1 of 1,551,818 alleles (0.000064%); highest among the groups gnomAD compares: Non-Finnish European, 0.000087%; no homozygotes.

Submission:

GeneDx
Classification: Pathogenic. Last evaluated: 2013-07-09. Review status: criteria provided, single submitter. Criteria: GeneDx Variant Classification (06012015). Collection method: clinical testing. Allele origin: germline. Affected: yes.
Comment: p.Gln395Ter (Q395X) CAG>TAG: c.1183 C>T in exon 2 of the RBM20 gene (NM_001134363.1). The Q395X variant in the RBM20 gene has not been reported as a disease-causing mutation or as a benign polymorphism to our knowledge. Q395X is predicted to cause loss of normal protein function either by protein truncation or nonsense-mediated mRNA decay. While the majority of pathogenic RBM20 mutations reported to date are missense changes, one other nonsense mutation in the RBM20 gene has been reported in association with DCM, and other nonsense changes were observed at GeneDx in probands referred for DCM testing. However, the spectrum of pathogenic RBM20 mutation associated with DCM in humans has not been fully elucidated. Studies in rats have shown that complete RBM20 deficiency or RBM20 haploinsufficiency resulting from either homozygous or heterozygous loss of function mutation, respectively, interfere with titin gene splicing, altering the expression pattern of different titin isoforms and resulting in cardiomyopathy with arrhythmia. Similarly, a missense mutation in the human RBM20 gene was shown to alter the expression profile of titin isoforms in heart, suggesting a similar disease mechanism (Guo W et al., 2012). Recently however, the NHLBI Exome Sequencing Project identified two frameshift variants with significant allele frequencies in individuals of European and African American background, indicating haploinsufficiency for RBM20 might be tolerated. Additionally, truncating RBM20 alleles have failed to segregate with disease in multiple families tested at GeneDx.Therefore, based on the currently available information, it is unclear whether this variant is a pathogenic mutation or a rare benign variant. The variant is found in DCM panel(s).

NM_001134363.3(RBM20):c.1183C>T (p.Gln395Ter)

Gene: RBM20 (RNA binding motif protein 20; plus strand). Cytogenetic location: 10q25.2.
Variant type: single nucleotide variant.
Coding change: c.1183C>T on transcript NM_001134363.3 (MANE Select); coding-DNA position 1183, C replaced by T.
Protein change: p.Gln395Ter; replaces glutamine 395 with a stop codon.
Molecular consequence: nonsense.
Genome position (GRCh38, 1-based): chr10:110,781,792, C>T. VCF-style: chr10-110781792-C-T. GRCh37 (hg19) VCF-style: chr10-112541550-C-T.
Other names: p.Q395*:CAG>TAG; c.1183C>T (LRG_382t1); short protein forms Q395*.
Identifiers: ClinVar variation 202056 (VCV000202056.2), dbSNP rs794729144, ClinGen allele CA335535.
Genomic context (GRCh38, chr10:110,781,792, plus strand): 5'-TTTATCGGTGCTGGGCGGAGGGCCAAGGAGGACCAGGCGTTGCTATCTGTGCGGCCCCTG[C>T]AGGCTCATGAGCTGAACGACTTTCACGGTGTGGCCCCCCTCCACTTGCCGCATATCTGTA-3'